The following is an entry in ClinVar:

ClinVar aggregate classification (germline): Uncertain significance (1 of 4 stars; one submission).

Conditions:
Myopathy, tubular aggregate, 2 (TAM2). Identifiers: MedGen C4014557, MONDO:0014383, OMIM 615883.
Combined immunodeficiency due to ORAI1 deficiency. Also called: IMMUNODEFICIENCY 9. Identifiers: Orphanet 169090, Orphanet 317428, MedGen C2748568, MONDO:0013007, OMIM 612782.

Submission:

Labcorp Genetics (formerly Invitae), Labcorp
Classification: Uncertain significance for Myopathy, tubular aggregate, 2; Combined immunodeficiency due to ORAI1 deficiency. Last evaluated: 2022-08-01. Review status: criteria provided, single submitter. Criteria: Invitae Variant Classification Sherloc (09022015). Collection method: clinical testing. Allele origin: germline.
Comment: This sequence change replaces lysine, which is basic and polar, with methionine, which is neutral and non-polar, at codon 204 of the ORAI1 protein (p.Lys204Met). In summary, the available evidence is currently insufficient to determine the role of this variant in disease. Therefore, it has been classified as a Variant of Uncertain Significance. Experimental studies and prediction algorithms are not available or were not evaluated, and the functional significance of this variant is currently unknown. This variant has not been reported in the literature in individuals affected with ORAI1-related conditions. This variant is not present in population databases (gnomAD no frequency).

NC_000012.12:g.121641348A>T

Gene: ORAI1 (ORAI calcium release-activated calcium modulator 1; plus strand). Cytogenetic location: 12q24.31.
Variant type: single nucleotide variant.
Genome position: GRCh38 VCF-style: chr12-121641348-A-T. GRCh37 (hg19) VCF-style: chr12-122079254-A-T.
Other names: c.611A>T, p.Lys204Met (NM_032790.4); short protein forms K204M.
Identifiers: ClinVar variation 2134777 (VCV002134777.4), dbSNP rs2503543936, ClinGen allele CA386983912.
Genomic context (GRCh38, chr12:121,641,348, plus strand): 5'-CGCTGCTCTTCCTAGCTGAGGTGGTGCTGCTCTGCTGGGTCAAGTTCTTGCCCCTCAAGA[A>T]GCAGCCAGGCCAGCCAAGGCCCACCAGCAAGCCCCCCGCCAGTGGCGCAGCAGCCAACGT-3'